The following is an entry in ClinVar:

NM_000059.4(BRCA2):c.2139_2145del (p.Gln713fs)

Gene: BRCA2 (BRCA2 DNA repair associated; plus strand). Cytogenetic location: 13q13.1.
Variant type: Deletion.
Coding change: c.2139_2145del on transcript NM_000059.4 (MANE Select); coding-DNA positions 2139 to 2145, 7 bases deleted (GGAAGGA; older notation c.2139_2145delGGAAGGA).
Protein change: p.Gln713fs; shifts the reading frame from glutamine 713.
Molecular consequence: frameshift variant.
Genome position (GRCh38, 1-based): chr13:32,336,494-32,336,500, GGAAGGA deleted; deleting any 7 consecutive bases within chr13:32,336,493-32,336,500 gives the same sequence; the c. name uses the placement nearest the transcript's 3' end. VCF-style (leftmost placement, unchanged base first): chr13-32336492-CAGGAAGG-C. GRCh37 (hg19) VCF-style: chr13-32910629-CAGGAAGG-C.
Other names: c.2139_2145delGGAAGGA, p.Gln713Hisfs (NM_001406719.1, NM_001406720.1); short protein forms Q713fs.
Identifiers: ClinVar variation 1786510 (VCV001786510.2), dbSNP rs2548523256, ClinGen allele CA2580087205.

ClinVar aggregate classification (germline): Pathogenic (1 of 4 stars; one submission).

Conditions:
Hereditary cancer-predisposing syndrome. Also called: Neoplastic Syndromes, Hereditary; Tumor predisposition; Hereditary Cancer Syndrome; Hereditary neoplastic syndrome. Identifiers: Orphanet 140162, MedGen C0027672, MeSH D009386, MONDO:0015356.

Submission:

Ambry Genetics
Classification: Pathogenic for Hereditary cancer-predisposing syndrome. Last evaluated: 2020-05-26. Review status: criteria provided, single submitter. Criteria: Ambry Variant Classification Scheme 2023. Collection method: clinical testing. Allele origin: germline.
Comment: The c.2139_2145delGGAAGGA pathogenic mutation, located in coding exon 10 of the BRCA2 gene, results from a deletion of 7 nucleotides at nucleotide positions 2139 to 2145, causing a translational frameshift with a predicted alternate stop codon (p.Q713Hfs*15). This alteration is expected to result in loss of function by premature protein truncation or nonsense-mediated mRNA decay. As such, this alteration is interpreted as a disease-causing mutation.